The following is an entry in ClinVar:

ClinVar aggregate classification (germline): Likely pathogenic (1 of 4 stars; one submission).

Allele frequency attached by ClinVar (database versions not stated): gnomAD exomes below 0.00001; gnomAD 0.00001; TOPMed 0.00002.
gnomAD v4.1: 2 of 1,614,050 alleles (0.00012%); highest among the groups gnomAD compares: Non-Finnish European, 0.00017%; no homozygotes.

Submission:

Labcorp Genetics (formerly Invitae), Labcorp
Classification: Likely pathogenic. Last evaluated: 2024-02-03. Review status: criteria provided, single submitter. Criteria: Invitae Variant Classification Sherloc (09022015). Collection method: clinical testing. Allele origin: germline.
Comment: This sequence change affects a donor splice site in intron 18 of the CAD gene. It is expected to disrupt RNA splicing. Variants that disrupt the donor or acceptor splice site typically lead to a loss of protein function (PMID: 16199547), and loss-of-function variants in CAD are known to be pathogenic (PMID: 28007989, 32117025, 32820246, 33497533). This variant is present in population databases (no rsID available, gnomAD 0.0009%). This variant has not been reported in the literature in individuals affected with CAD-related conditions. Algorithms developed to predict the effect of sequence changes on RNA splicing suggest that this variant may disrupt the consensus splice site. In summary, the currently available evidence indicates that the variant is pathogenic, but additional data are needed to prove that conclusively. Therefore, this variant has been classified as Likely Pathogenic.

Literature cited by the submitters: PubMed 16199547; PubMed 28007989; PubMed 32117025; PubMed 32820246; PubMed 33497533.

NM_004341.5(CAD):c.2892+1G>T

Gene: CAD (carbamoyl-phosphate synthetase 2, aspartate transcarbamylase, and dihydroorotase; plus strand). Cytogenetic location: 2p23.3.
Variant type: single nucleotide variant.
Coding change: c.2892+1G>T on transcript NM_004341.5 (MANE Select); the canonical splice donor site of the intron after coding-DNA position 2892, G replaced by T.
Molecular consequence: splice donor variant.
Genome position (GRCh38, 1-based): chr2:27,232,695, G>T. VCF-style: chr2-27232695-G-T. GRCh37 (hg19) VCF-style: chr2-27455563-G-T.
Other names: c.2703+1G>T (NM_001306079.2).
Identifiers: ClinVar variation 2974510 (VCV002974510.3), dbSNP rs1156416298, ClinGen allele CA346213148.